The following is an entry in ClinVar:

NM_001080517.3(SETD5):c.3167C>G (p.Ala1056Gly)

Gene: SETD5 (SET domain containing 5; plus strand). Cytogenetic location: 3p25.3.
Variant type: single nucleotide variant.
Coding change: c.3167C>G on transcript NM_001080517.3 (MANE Select); coding-DNA position 3167, C replaced by G.
Protein change: p.Ala1056Gly; replaces alanine 1056 with glycine.
Molecular consequence: missense variant.
Genome position (GRCh38, 1-based): chr3:9,470,901, C>G. VCF-style: chr3-9470901-C-G. GRCh37 (hg19) VCF-style: chr3-9512585-C-G.
Other names: c.2873C>G, p.Ala958Gly (NM_001292043.2, NM_001349451.2); short protein forms A1056G, A958G.
Identifiers: ClinVar variation 1699710 (VCV001699710.2), dbSNP rs774045749, ClinGen allele CA2239610.
Genomic context (GRCh38, chr3:9,470,901, plus strand): 5'-ACCTCTCTCGTGGATCCTTGTCACCTGGTGGTGAAAGGGCCTGTGAAGGAGTCCCATCTG[C>G]CCCCCAGAACCCACCACAGAGGAAAAAAGTAAGTGTTTCATGTTATATCGGCGAACTTTT-3'
Protein context (NP_001073986.1, residues 1046-1066): GERACEGVPS[Ala1056Gly]PQNPPQRKKV

ClinVar aggregate classification (germline): Uncertain significance (1 of 4 stars; one submission).

Submission:

GeneDx
Classification: Uncertain significance. Last evaluated: 2021-12-02. Review status: criteria provided, single submitter. Criteria: GeneDx Variant Classification Process June 2021. Collection method: clinical testing. Allele origin: germline. Affected: yes.
Comment: Has not been previously published as pathogenic or benign to our knowledge; In silico analysis supports that this missense variant does not alter protein structure/function